The following is an entry in ClinVar:

NM_000426.4(LAMA2):c.5545A>G (p.Ile1849Val)

Gene: LAMA2 (laminin subunit alpha 2; plus strand). Cytogenetic location: 6q22.33.
Variant type: single nucleotide variant.
Coding change: c.5545A>G on transcript NM_000426.4 (MANE Select); coding-DNA position 5545, A replaced by G.
Protein change: p.Ile1849Val; replaces isoleucine 1849 with valine.
Molecular consequence: missense variant.
Genome position (GRCh38, 1-based): chr6:129,401,323, A>G. VCF-style: chr6-129401323-A-G. GRCh37 (hg19) VCF-style: chr6-129722468-A-G.
Other names: c.5545A>G, p.Ile1849Val (NM_001079823.2); short protein forms I1849V.
Identifiers: ClinVar variation 1900656 (VCV001900656.2), dbSNP rs1416963287, ClinGen allele CA365615476.
Genomic context (GRCh38, chr6:129,401,323, plus strand): 5'-GAGAACACTTTAAAAGAGGGCAATGACATACTCGATGAAGCCAACCGTCTTGCAGATGAA[A>G]TCAACTCCATCATAGACGTGAGTATTGGGTAAAACTCAAAAGAGAGATGATAATGAATAA-3'
Protein context (NP_000417.3, residues 1839-1859): LDEANRLADE[Ile1849Val]NSIIDYVEDI

ClinVar aggregate classification (germline): Uncertain significance (1 of 4 stars; one submission).

Conditions:
LAMA2-related muscular dystrophy (LAMA2-RD). Also called: Laminin alpha 2-related dystrophy. Identifiers: MedGen C5679788, MONDO:0100228.

Allele frequency attached by ClinVar (database versions not stated): gnomAD exomes below 0.00001; gnomAD 0.00001.
gnomAD v4.1: 4 of 1,591,310 alleles (0.00025%); highest among the groups gnomAD compares: Non-Finnish European, 0.00034%; no homozygotes.

Submission:

Labcorp Genetics (formerly Invitae), Labcorp
Classification: Uncertain significance for LAMA2-related muscular dystrophy. Last evaluated: 2021-12-03. Review status: criteria provided, single submitter. Criteria: Invitae Variant Classification Sherloc (09022015). Collection method: clinical testing. Allele origin: germline.
Comment: This sequence change replaces isoleucine, which is neutral and non-polar, with valine, which is neutral and non-polar, at codon 1849 of the LAMA2 protein (p.Ile1849Val). This variant is present in population databases (no rsID available, gnomAD 0.002%). This variant has not been reported in the literature in individuals affected with LAMA2-related conditions. Advanced modeling of protein sequence and biophysical properties (such as structural, functional, and spatial information, amino acid conservation, physicochemical variation, residue mobility, and thermodynamic stability) performed at Invitae indicates that this missense variant is not expected to disrupt LAMA2 protein function. In summary, the available evidence is currently insufficient to determine the role of this variant in disease. Therefore, it has been classified as a Variant of Uncertain Significance.